The following is an entry in ClinVar:

ClinVar aggregate classification (germline): Uncertain significance (1 of 4 stars; one submission).

Submission:

Labcorp Genetics (formerly Invitae), Labcorp
Classification: Uncertain significance. Last evaluated: 2025-12-02. Review status: criteria provided, single submitter. Criteria: Invitae Variant Classification Sherloc (09022015). Collection method: clinical testing. Allele origin: germline.
Comment: This sequence change replaces arginine, which is basic and polar, with proline, which is neutral and non-polar, at codon 235 of the CLCN2 protein (p.Arg235Pro). This variant is not present in population databases (gnomAD no frequency). This variant has not been reported in the literature in individuals affected with CLCN2-related conditions. Invitae Evidence Modeling of protein sequence and biophysical properties (such as structural, functional, and spatial information, amino acid conservation, physicochemical variation, residue mobility, and thermodynamic stability) indicates that this missense variant is expected to disrupt CLCN2 protein function with a positive predictive value of 80%. In summary, the available evidence is currently insufficient to determine the role of this variant in disease. Therefore, it has been classified as a Variant of Uncertain Significance.

NM_004366.6(CLCN2):c.704G>C (p.Arg235Pro)

Gene: CLCN2 (chloride voltage-gated channel 2; minus strand). Cytogenetic location: 3q27.1.
Variant type: single nucleotide variant.
Coding change: c.704G>C on transcript NM_004366.6 (MANE Select); coding-DNA position 704, G replaced by C.
Protein change: p.Arg235Pro; replaces arginine 235 with proline.
Molecular consequence: missense variant.
Genome position (GRCh38, 1-based): chr3:184,357,688, C>G on the plus strand (G>C on the coding strand, the complement: CLCN2 is on the minus strand). VCF-style: chr3-184357688-C-G. GRCh37 (hg19) VCF-style: chr3-184075476-C-G.
Other names: c.704G>C, p.Arg235Pro (NM_001171087.3, NM_001171089.3); c.572G>C, p.Arg191Pro (NM_001171088.3); short protein forms R235P, R191P.
Identifiers: ClinVar variation 4745567 (VCV004745567.1).